The following is an entry in ClinVar:

ClinVar aggregate classification (germline): Benign. Review status: criteria provided, multiple submitters, no conflicts (2 of 4 stars). 5 submissions from 4 submitters: Benign (5). Last evaluated 2023-04-11.

Conditions:
Osteogenesis imperfecta type 8 (OI8). Identifiers: MedGen C1970458, MONDO:0012581, OMIM 610915.
Osteogenesis Imperfecta, Recessive.

Allele frequency attached by ClinVar (database versions not stated): gnomAD 0.63640 and 0.64209; TOPMed 0.63727; 1000 Genomes Project 30x 0.66006; 1000 Genomes Project 0.66254; gnomAD exomes 0.67643.
gnomAD v4.1: 371,318 of 557,178 alleles (67%); highest among the groups gnomAD compares: South Asian, 78%; 124,843 homozygotes.

Submissions (5):

Genome-Nilou Lab
Classification: Benign for Osteogenesis imperfecta type 8. Last evaluated: 2023-04-11. Review status: criteria provided, single submitter. Criteria: ACMG Guidelines, 2015. Collection method: clinical testing. Allele origin: germline. Affected: no.

GeneDx
Classification: Benign. Last evaluated: 2018-06-19. Review status: criteria provided, single submitter. Criteria: GeneDx Variant Classification Process June 2021. Collection method: clinical testing. Allele origin: germline. Affected: yes.

Illumina Laboratory Services, Illumina
Classification: Benign for Osteogenesis imperfecta type 8. Last evaluated: 2018-01-13. Review status: criteria provided, single submitter. Criteria: ICSL Variant Classification Criteria 13 December 2019. Collection method: clinical testing. Allele origin: germline.
Comment: This variant was observed in the ICSL laboratory as part of a predisposition screen in an ostensibly healthy population. It had not been previously curated by ICSL or reported in the Human Gene Mutation Database (HGMD: prior to June 1st, 2018), and was therefore a candidate for classification through an automated scoring system. Utilizing variant allele frequency, disease prevalence and penetrance estimates, and inheritance mode, an automated score was calculated to assess if this variant is too frequent to cause the disease. Based on the score and internal cut-off values, a variant classified as benign is not then subjected to further curation. The score for this variant resulted in a classification of benign for this disease.

Illumina Laboratory Services, Illumina
Classification: Benign for Osteogenesis Imperfecta, Recessive. Last evaluated: 2017-04-27. Review status: criteria provided, single submitter. Criteria: ICSL Variant Classification Criteria 13 December 2019. Collection method: clinical testing. Allele origin: germline.
Comment: This variant was observed as part of a predisposition screen in an ostensibly healthy population. A literature search was performed for the gene, cDNA change, and amino acid change (where applicable). No publications were found based on this search. Allele frequency data from public databases was too high to be consistent with this variant causing disease. Therefore, this variant is classified as benign.

Breakthrough Genomics
Classification: Benign. Review status: criteria provided, single submitter. Criteria: ACMG Guidelines, 2015. Collection method: not provided. Allele origin: germline. Inheritance: Autosomal recessive inheritance. Affected: yes.

NM_022356.4(P3H1):c.*257G>A

Gene: P3H1 (prolyl 3-hydroxylase 1; minus strand). Cytogenetic location: 1p34.2.
Variant type: single nucleotide variant.
Coding change: c.*257G>A on transcript NM_022356.4 (MANE Select); 257 bases downstream of the stop codon, G replaced by A.
Molecular consequence: 3 prime UTR variant.
Genome position (GRCh38, 1-based): chr1:42,746,440, C>T on the plus strand (G>A on the coding strand, the complement: P3H1 is on the minus strand). VCF-style: chr1-42746440-C-T. GRCh37 (hg19) VCF-style: chr1-43212111-C-T.
Other names: c.*393G>A (NM_001146289.2); c.*472G>A (NM_001243246.2).
Identifiers: ClinVar variation 873598 (VCV000873598.9), dbSNP rs6882, ClinGen allele CA10669992.